The following is an entry in ClinVar:

ClinVar aggregate classification (germline): Uncertain significance (1 of 4 stars; one submission).

Submission:

Labcorp Genetics (formerly Invitae), Labcorp
Classification: Uncertain significance. Last evaluated: 2022-02-01. Review status: criteria provided, single submitter. Criteria: Invitae Variant Classification Sherloc (09022015). Collection method: clinical testing. Allele origin: germline.
Comment: In summary, the available evidence is currently insufficient to determine the role of this variant in disease. Therefore, it has been classified as a Variant of Uncertain Significance. Algorithms developed to predict the effect of missense changes on protein structure and function output the following: SIFT: "Tolerated"; PolyPhen-2: "Benign"; Align-GVGD: "Class C0". The glutamic acid amino acid residue is found in multiple mammalian species, which suggests that this missense change does not adversely affect protein function. This variant has not been reported in the literature in individuals affected with HSPG2-related conditions. This variant is not present in population databases (gnomAD no frequency). This sequence change replaces aspartic acid, which is acidic and polar, with glutamic acid, which is acidic and polar, at codon 1118 of the HSPG2 protein (p.Asp1118Glu).

NM_005529.7(HSPG2):c.3354C>G (p.Asp1118Glu)

Gene: HSPG2 (heparan sulfate proteoglycan 2; minus strand). Cytogenetic location: 1p36.12.
Variant type: single nucleotide variant.
Coding change: c.3354C>G on transcript NM_005529.7 (MANE Select); coding-DNA position 3354, C replaced by G.
Protein change: p.Asp1118Glu; replaces aspartic acid 1118 with glutamic acid.
Molecular consequence: missense variant.
Genome position (GRCh38, 1-based): chr1:21,874,951, G>C on the plus strand (C>G on the coding strand, the complement: HSPG2 is on the minus strand). VCF-style: chr1-21874951-G-C. GRCh37 (hg19) VCF-style: chr1-22201444-G-C.
Other names: c.3357C>G, p.Asp1119Glu (NM_001291860.2); short protein forms D1119E, D1118E.
Identifiers: ClinVar variation 2066331 (VCV002066331.4), dbSNP rs1320892158, ClinGen allele CA338961389.